The following is an entry in ClinVar:

NM_000540.3(RYR1):c.2645C>T (p.Ala882Val)

Gene: RYR1 (ryanodine receptor 1; plus strand). Cytogenetic location: 19q13.2.
Variant type: single nucleotide variant.
Coding change: c.2645C>T on transcript NM_000540.3 (MANE Select); coding-DNA position 2645, C replaced by T.
Protein change: p.Ala882Val; replaces alanine 882 with valine.
Molecular consequence: missense variant.
Genome position (GRCh38, 1-based): chr19:38,463,490, C>T. VCF-style: chr19-38463490-C-T. GRCh37 (hg19) VCF-style: chr19-38954130-C-T.
Other names: p.Ala882Val; c.2645C>T, p.Ala882Val (NM_001042723.2); short protein forms A882V.
Identifiers: ClinVar variation 201145 (VCV000201145.47), dbSNP rs143701391, ClinGen allele CA024358.

ClinVar aggregate classification (germline): Uncertain significance. Review status: criteria provided, multiple submitters, no conflicts (2 of 4 stars). 11 submissions from 10 submitters: Uncertain significance (11). Last evaluated 2026-02-01.

Conditions:
Congenital myopathy with fiber type disproportion. Also called: Congenital fiber-type disproportion myopathy; Congenital fiber-type disproportion. Identifiers: Orphanet 2020, MedGen C0546264, MONDO:0009711. Inheritance: all.
Central core myopathy (CMYO1A). Also called: CONGENITAL MYOPATHY 1A, AUTOSOMAL DOMINANT, WITH SUSCEPTIBILITY TO MALIGNANT HYPERTHERMIA; Central core disease; Myopathy, central fibrillar. Identifiers: Orphanet 597, MedGen C5830701, MONDO:0007294, OMIM 117000.
King Denborough syndrome (KDS). Identifiers: MedGen C1840365, MONDO:0020485, OMIM 619542.
Malignant hyperthermia, susceptibility to, 1 (MHS1). Also called: Anesthesia related hyperthermia; Malignant hyperpyrexia; Fulminating hyperpyrexia; Pharmacogenic myopathy; RYR1-Related Malignant Hyperthermia Susceptibility; Malignant hyperthermia suceptibility 1. Identifiers: Orphanet 423, MedGen C2930980, MONDO:0007783, OMIM 145600.
Congenital multicore myopathy with external ophthalmoplegia (CMYO1B). Also called: Minicore myopathy with external ophthalmoplegia; MULTICORE MYOPATHY; Congenital myopathy 1B, autosomal recessive; Minicore myopathy; MULTIMINICORE DISEASE WITH EXTERNAL OPHTHALMOPLEGIA. Identifiers: Orphanet 598, Orphanet 98905, MedGen C1850674, MONDO:0009712, OMIM 255320, HP:0003789.
RYR1-related disorder. Also called: RYR1-related condition; RYR1-related disorders. Identifiers: MedGen CN239331.

Allele frequency attached by ClinVar (database versions not stated): gnomAD 0.00021 and 0.00022; TOPMed 0.00024; ESP Exome Variant Server 0.00031; gnomAD exomes 0.00037.
gnomAD v4.1: 564 of 1,613,228 alleles (0.035%); highest among the groups gnomAD compares: Non-Finnish European, 0.046%; no homozygotes.

Submissions (11):

CeGaT Center for Human Genetics Tuebingen
Classification: Uncertain significance. Last evaluated: 2026-02-01. Review status: criteria provided, single submitter. Criteria: CeGaT Center For Human Genetics Tuebingen Variant Classification Criteria Version 2. Collection method: clinical testing. Allele origin: germline. Affected: yes. Observed: 3 variant alleles.
Comment: RYR1: PM2

All of Us Research Program, National Institutes of Health
Classification: Uncertain significance for Malignant hyperthermia, susceptibility to, 1. Last evaluated: 2024-09-27. Review status: criteria provided, single submitter. Criteria: ACMG Guidelines, 2015. Collection method: clinical testing. Allele origin: germline. Inheritance: Autosomal dominant inheritance. Observed: 80 variant alleles, 80 heterozygotes.
Comment: This missense variant replaces alanine with valine at codon 882 of the RYR1 protein. Computational prediction is inconclusive regarding the impact of this variant on protein structure and function (internally defined REVEL score threshold 0.5 < inconclusive < 0.7, PMID: 27666373). To our knowledge, functional studies have not been reported for this variant. This variant has not been reported in individuals affected with RYR1-related disorders in the literature. This variant has been identified in 41/281414 chromosomes in the general population by the Genome Aggregation Database (gnomAD). The available evidence is insufficient to determine the role of this variant in disease conclusively. Therefore, this variant is classified as a Variant of Uncertain Significance.

This study involves interpretation of variants in research participants for the purpose of population health screening. Participant phenotype was not available at the time of variant classification. Additional details can be found in publication PMID: 35346344, PMCID: PMC8962531

Mayo Clinic Laboratories, Mayo Clinic
Classification: Uncertain significance. Last evaluated: 2024-08-30. Review status: criteria provided, single submitter. Criteria: ACMG Guidelines, 2015. Collection method: clinical testing. Allele origin: germline. Observed: 1 variant allele.

Blueprint Genetics
Classification: Uncertain significance. Last evaluated: 2024-08-28. Review status: criteria provided, single submitter. Criteria: ACMG Guidelines, 2015. Collection method: clinical testing. Allele origin: germline.

Revvity Omics, Revvity
Classification: Uncertain significance. Last evaluated: 2024-06-20. Review status: criteria provided, single submitter. Criteria: ACMG Guidelines, 2015. Collection method: clinical testing. Allele origin: germline.

Color Diagnostics, LLC DBA Color Health
Classification: Uncertain significance for Malignant hyperthermia, susceptibility to, 1. Last evaluated: 2024-03-28. Review status: criteria provided, single submitter. Criteria: ACMG Guidelines, 2015. Collection method: clinical testing. Allele origin: germline.
Comment: This missense variant replaces alanine with valine at codon 882 of the RYR1 protein. Computational prediction is inconclusive regarding the impact of this variant on protein structure and function. To our knowledge, functional studies have not been reported for this variant. This variant has not been reported in individuals affected with RYR1-related disorders in the literature. This variant has been identified in 41/281414 chromosomes in the general population by the Genome Aggregation Database (gnomAD). The available evidence is insufficient to determine the role of this variant in disease conclusively. Therefore, this variant is classified as a Variant of Uncertain Significance.

Labcorp Genetics (formerly Invitae), Labcorp
Classification: Uncertain significance for RYR1-related disorder. Last evaluated: 2024-01-26. Review status: criteria provided, single submitter. Criteria: Invitae Variant Classification Sherloc (09022015). Collection method: clinical testing. Allele origin: germline.
Comment: This sequence change replaces alanine, which is neutral and non-polar, with valine, which is neutral and non-polar, at codon 882 of the RYR1 protein (p.Ala882Val). This variant is present in population databases (rs143701391, gnomAD 0.03%). This missense change has been observed in individual(s) with a suspected mitochondrial disorder (PMID: 24215330). ClinVar contains an entry for this variant (Variation ID: 201145). Advanced modeling of protein sequence and biophysical properties (such as structural, functional, and spatial information, amino acid conservation, physicochemical variation, residue mobility, and thermodynamic stability) has been performed at Invitae for this missense variant, however the output from this modeling did not meet the statistical confidence thresholds required to predict the impact of this variant on RYR1 protein function. In summary, the available evidence is currently insufficient to determine the role of this variant in disease. Therefore, it has been classified as a Variant of Uncertain Significance.

Fulgent Genetics
Classification: Uncertain significance for Central core myopathy; Malignant hyperthermia, susceptibility to, 1; Congenital myopathy 4A, autosomal dominant; Congenital multicore myopathy with external ophthalmoplegia; King Denborough syndrome. Last evaluated: 2021-08-20. Review status: criteria provided, single submitter. Criteria: ACMG Guidelines, 2015. Collection method: clinical testing. Allele origin: unknown.

Baylor Genetics
Classification: Uncertain significance for Central core myopathy. Last evaluated: 2018-11-27. Review status: criteria provided, single submitter. Criteria: ACMG Guidelines, 2015. Collection method: clinical testing. Allele origin: maternal. Affected: yes.
Comment: This variant was determined to be of uncertain significance according to ACMG Guidelines, 2015 [PMID:25741868].

Illumina Laboratory Services, Illumina
Classification: Uncertain significance for Congenital multicore myopathy with external ophthalmoplegia. Last evaluated: 2018-01-13. Review status: criteria provided, single submitter. Criteria: ICSL Variant Classification Criteria 13 December 2019. Collection method: clinical testing. Allele origin: germline.

Illumina Laboratory Services, Illumina
Classification: Uncertain significance for Malignant hyperthermia, susceptibility to, 1. Last evaluated: 2018-01-13. Review status: criteria provided, single submitter. Criteria: ICSL Variant Classification Criteria 13 December 2019. Collection method: clinical testing. Allele origin: germline.

Literature cited by the submitters: PubMed 24215330 (cited by Mayo Clinic Laboratories, Mayo Clinic and Labcorp Genetics (formerly Invitae), Labcorp); PubMed 37937776 (cited by Mayo Clinic Laboratories, Mayo Clinic).